The following is an entry in ClinVar:

NM_002693.3(POLG):c.718T>C (p.Ser240Pro)

Genes: POLGARF (POLG alternative reading frame; minus strand), POLG (DNA polymerase gamma, catalytic subunit; minus strand). Cytogenetic location: 15q26.1.
Variant type: single nucleotide variant.
Coding change: c.718T>C on transcript NM_002693.3 (MANE Select); coding-DNA position 718, T replaced by C.
Protein change: p.Ser240Pro; replaces serine 240 with proline.
Molecular consequence: missense variant.
Genome position (GRCh38, 1-based): chr15:89,330,218, A>G on the plus strand (T>C on the coding strand, the complement: POLG is on the minus strand). VCF-style: chr15-89330218-A-G. GRCh37 (hg19) VCF-style: chr15-89873449-A-G.
Other names: c.718T>C, p.Ser240Pro (NM_001126131.2); short protein forms S240P.
Identifiers: ClinVar variation 1377975 (VCV001377975.8), dbSNP rs2141806695, ClinGen allele CA393767093.

ClinVar aggregate classification (germline): Uncertain significance (1 of 4 stars; one submission).

Conditions:
Progressive sclerosing poliodystrophy (MTDPS4A). Also called: Mitochondrial DNA depletion syndrome 4A (Alpers type); ALPERS PROGRESSIVE INFANTILE POLIODYSTROPHY; NEURONAL DEGENERATION OF CHILDHOOD WITH LIVER DISEASE, PROGRESSIVE; Mitochondrial DNA Depletion Syndrome 4A; Alpers-Huttenlocher Syndrome (AHS); Alpers Syndrome. Identifiers: Orphanet 726, MedGen C0205710, MONDO:0008758, OMIM 203700.

Submission:

Labcorp Genetics (formerly Invitae), Labcorp
Classification: Uncertain significance for Progressive sclerosing poliodystrophy. Last evaluated: 2021-03-10. Review status: criteria provided, single submitter. Criteria: Invitae Variant Classification Sherloc (09022015). Collection method: clinical testing. Allele origin: germline.
Comment: This variant has not been reported in the literature in individuals with POLG-related conditions. Algorithms developed to predict the effect of missense changes on protein structure and function are either unavailable or do not agree on the potential impact of this missense change (SIFT: "Deleterious"; PolyPhen-2: "Possibly Damaging"; Align-GVGD: "Class C0"). In summary, the available evidence is currently insufficient to determine the role of this variant in disease. Therefore, it has been classified as a Variant of Uncertain Significance. This variant is not present in population databases (ExAC no frequency). This sequence change replaces serine with proline at codon 240 of the POLG protein (p.Ser240Pro). The serine residue is moderately conserved and there is a moderate physicochemical difference between serine and proline.